The following is an entry in ClinVar:

ClinVar aggregate classification (germline): Likely benign (0 of 4 stars; one submission).

Conditions:
PIEZO1-related disorder. Also called: PIEZO1-related condition; PIEZO1-Related Disorders.

Allele frequency attached by ClinVar (database versions not stated): TOPMed 0.00001.
gnomAD v4.1: 6 of 1,550,176 alleles (0.00039%); highest among the groups gnomAD compares: Non-Finnish European, 0.00052%; no homozygotes.

Submission:

PreventionGenetics, part of Exact Sciences
Classification: Likely benign for PIEZO1-related condition. Last evaluated: 2021-11-04. Review status: no assertion criteria provided. Collection method: clinical testing. Allele origin: germline.
Comment: This variant is classified as likely benign based on ACMG/AMP sequence variant interpretation guidelines (Richards et al. 2015 PMID: 25741868, with internal and published modifications).

NM_001142864.4(PIEZO1):c.6660+9G>T

Gene: PIEZO1 (piezo type mechanosensitive ion channel component 1 (Er blood group); minus strand). Cytogenetic location: 16q24.3.
Variant type: single nucleotide variant.
Coding change: c.6660+9G>T on transcript NM_001142864.4 (MANE Select); 9 bases into the intron after coding-DNA position 6660, G replaced by T.
Molecular consequence: intron variant.
Genome position (GRCh38, 1-based): chr16:88,717,014, C>A on the plus strand (G>T on the coding strand, the complement: PIEZO1 is on the minus strand). VCF-style: chr16-88717014-C-A. GRCh37 (hg19) VCF-style: chr16-88783422-C-A.
Identifiers: ClinVar variation 3029520 (VCV003029520.2), dbSNP rs1318407713, ClinGen allele CA980335834.